The following is an entry in ClinVar:

NM_001204.7(BMPR2):c.2659C>G (p.Leu887Val)

Gene: BMPR2 (bone morphogenetic protein receptor type 2; plus strand). Cytogenetic location: 2q33.2.
Variant type: single nucleotide variant.
Coding change: c.2659C>G on transcript NM_001204.7 (MANE Select); coding-DNA position 2659, C replaced by G.
Protein change: p.Leu887Val; replaces leucine 887 with valine.
Molecular consequence: missense variant.
Genome position (GRCh38, 1-based): chr2:202,556,324, C>G. VCF-style: chr2-202556324-C-G. GRCh37 (hg19) VCF-style: chr2-203421047-C-G.
Other names: short protein forms L887V.
Identifiers: ClinVar variation 3481311 (VCV003481311.1).
Genomic context (GRCh38, chr2:202,556,324, plus strand): 5'-CATGAGCCTTTACTGAGACGAGAGCAACAAGCTGGCCATGATGAAGGTGTTCTGGATCGT[C>G]TTGTGGACAGGAGGGAACGGCCACTAGAAGGTGGCCGAACTAATTCCAATAACAACAACA-3'
Protein context (NP_001195.2, residues 877-897): AGHDEGVLDR[Leu887Val]VDRRERPLEG

ClinVar aggregate classification (germline): Uncertain significance (1 of 4 stars; one submission).

Conditions:
Inborn genetic diseases. Identifiers: MedGen C0950123, MeSH D030342.

gnomAD v4.1: 4 of 1,614,202 alleles (0.00025%); highest among the groups gnomAD compares: Non-Finnish European, 0.00017%; no homozygotes.

Submission:

Ambry Genetics
Classification: Uncertain significance for Inborn genetic diseases. Last evaluated: 2024-11-27. Review status: criteria provided, single submitter. Criteria: Ambry Variant Classification Scheme 2023. Collection method: clinical testing. Allele origin: germline.
Comment: The p.L887V variant (also known as c.2659C>G), located in coding exon 12 of the BMPR2 gene, results from a C to G substitution at nucleotide position 2659. The leucine at codon 887 is replaced by valine, an amino acid with highly similar properties. This amino acid position is conserved. In addition, this alteration is predicted to be tolerated by in silico analysis. Based on the available evidence, the clinical significance of this variant remains unclear.